The following is an entry in ClinVar:

NM_173630.4(RTTN):c.3384-303G>C

Gene: RTTN (rotatin; minus strand). Cytogenetic location: 18q22.2.
Variant type: single nucleotide variant.
Coding change: c.3384-303G>C on transcript NM_173630.4 (MANE Select); 303 bases into the intron before coding-DNA position 3384, G replaced by C.
Molecular consequence: intron variant.
Genome position (GRCh38, 1-based): chr18:70,122,003, C>G on the plus strand (G>C on the coding strand, the complement: RTTN is on the minus strand). VCF-style: chr18-70122003-C-G. GRCh37 (hg19) VCF-style: chr18-67789239-C-G.
Other names: c.648-303G>C (NM_001318520.2).
Identifiers: ClinVar variation 684149 (VCV000684149.1), dbSNP rs17233212, ClinGen allele CA301958752.
Genomic context (GRCh38, chr18:70,122,003, plus strand): 5'-AAGAGAAAAATAACAAATTCAGAAAAAGTACCAAAAAAATACCAAGGGGAAAAACACTGA[C>G]TCTAATAACCGCCCAGTGAAACTTGCTTTTCATACTGGGAATGTCATGTTTCACTGATGA-3'

ClinVar aggregate classification (germline): Likely benign (1 of 4 stars; one submission).

Allele frequency attached by ClinVar (database versions not stated): gnomAD 0.02039 and 0.02084; 1000 Genomes Project 30x 0.02046; 1000 Genomes Project 0.02077; TOPMed 0.02158.
gnomAD v4.1: 3,176 of 152,194 alleles (2.1%); highest among the groups gnomAD compares: Middle Eastern, 3.7%; 48 homozygotes.

Submission:

GeneDx
Classification: Likely benign. Last evaluated: 2018-06-19. Review status: criteria provided, single submitter. Criteria: GeneDx Variant Classification (06012015). Collection method: clinical testing. Allele origin: germline. Affected: yes.
Comment: This variant is considered likely benign or benign based on one or more of the following criteria: it is a conservative change, it occurs at a poorly conserved position in the protein, it is predicted to be benign by multiple in silico algorithms, and/or has population frequency not consistent with disease.